The following is an entry in ClinVar:

NM_020436.5(SALL4):c.2465G>T (p.Arg822Leu)

Gene: SALL4 (spalt like transcription factor 4; minus strand). Cytogenetic location: 20q13.2.
Variant type: single nucleotide variant.
Coding change: c.2465G>T on transcript NM_020436.5 (MANE Select); coding-DNA position 2465, G replaced by T.
Protein change: p.Arg822Leu; replaces arginine 822 with leucine.
Molecular consequence: missense variant.
Genome position (GRCh38, 1-based): chr20:51,789,138, C>A on the plus strand (G>T on the coding strand, the complement: SALL4 is on the minus strand). VCF-style: chr20-51789138-C-A. GRCh37 (hg19) VCF-style: chr20-50405677-C-A.
Other names: c.1154G>T, p.Arg385Leu (NM_001318031.2); short protein forms R385L, R822L.
Identifiers: ClinVar variation 4748266 (VCV004748266.1).

ClinVar aggregate classification (germline): Uncertain significance (1 of 4 stars; one submission).

Conditions:
Duane-radial ray syndrome (DRRS). Also called: Duane-Radial Ray Syndrome (DRRS) / Okihiro Syndrome; ACRORENOOCULAR SYNDROME; DR SYNDROME; DUANE ANOMALY WITH RADIAL RAY ABNORMALITIES AND DEAFNESS; Okihiro Syndrome; Duane-Radial Ray Syndrome/Okihiro Syndrome. Identifiers: Orphanet 93293, Orphanet 959, MedGen C1623209, MONDO:0011812, OMIM 607323. Disease mechanism: gain of function.

Submission:

Labcorp Genetics (formerly Invitae), Labcorp
Classification: Uncertain significance for Duane-radial ray syndrome. Last evaluated: 2025-07-06. Review status: criteria provided, single submitter. Criteria: Invitae Variant Classification Sherloc (09022015). Collection method: clinical testing. Allele origin: germline.
Comment: This sequence change replaces arginine, which is basic and polar, with leucine, which is neutral and non-polar, at codon 822 of the SALL4 protein (p.Arg822Leu). This variant is present in population databases (rs754932119, gnomAD 0.0009%). This variant has not been reported in the literature in individuals affected with SALL4-related conditions. An algorithm developed to predict the effect of missense changes on protein structure and function (PolyPhen-2) suggests that this variant is likely to be disruptive. In summary, the available evidence is currently insufficient to determine the role of this variant in disease. Therefore, it has been classified as a Variant of Uncertain Significance.